The following is an entry in ClinVar:

NM_021922.3(FANCE):c.1290G>T (p.Glu430Asp)

Gene: FANCE (FA complementation group E; plus strand). Cytogenetic location: 6p21.31.
Variant type: single nucleotide variant.
Coding change: c.1290G>T on transcript NM_021922.3 (MANE Select); coding-DNA position 1290, G replaced by T.
Protein change: p.Glu430Asp; replaces glutamic acid 430 with aspartic acid.
Molecular consequence: missense variant.
Genome position (GRCh38, 1-based): chr6:35,459,734, G>T. VCF-style: chr6-35459734-G-T. GRCh37 (hg19) VCF-style: chr6-35427511-G-T.
Other names: short protein forms E430D.
Identifiers: ClinVar variation 356451 (VCV000356451.13), dbSNP rs886061331, ClinGen allele CA10623706.

ClinVar aggregate classification (germline): Uncertain significance. Review status: criteria provided, multiple submitters, no conflicts (2 of 4 stars). 3 submissions from 3 submitters: Uncertain significance (3). Last evaluated 2024-11-26.

Conditions:
Fanconi anemia complementation group E (FANCE). Also called: FANCE-Related Fanconi Anemia. Identifiers: Orphanet 84, MedGen C3160739, MONDO:0010953, OMIM 600901.

Allele frequency attached by ClinVar (database versions not stated): gnomAD 0.00001; gnomAD exomes 0.00001; TOPMed 0.00001.

Submissions (3):

Blueprint Genetics
Classification: Uncertain significance. Last evaluated: 2024-11-26. Review status: criteria provided, single submitter. Criteria: ACMG Guidelines, 2015. Collection method: clinical testing. Allele origin: germline.

Labcorp Genetics (formerly Invitae), Labcorp
Classification: Uncertain significance for Fanconi anemia complementation group E. Last evaluated: 2022-07-19. Review status: criteria provided, single submitter. Criteria: Invitae Variant Classification Sherloc (09022015). Collection method: clinical testing. Allele origin: germline.
Comment: This sequence change replaces glutamic acid, which is acidic and polar, with aspartic acid, which is acidic and polar, at codon 430 of the FANCE protein (p.Glu430Asp). This variant is present in population databases (no rsID available, gnomAD 0.002%). This variant has not been reported in the literature in individuals affected with FANCE-related conditions. ClinVar contains an entry for this variant (Variation ID: 356451). Algorithms developed to predict the effect of missense changes on protein structure and function are either unavailable or do not agree on the potential impact of this missense change (SIFT: "Tolerated"; PolyPhen-2: "Possibly Damaging"; Align-GVGD: "Class C0"). In summary, the available evidence is currently insufficient to determine the role of this variant in disease. Therefore, it has been classified as a Variant of Uncertain Significance.

Illumina Laboratory Services, Illumina
Classification: Uncertain significance for Fanconi anemia complementation group E. Last evaluated: 2018-01-13. Review status: criteria provided, single submitter. Criteria: ICSL Variant Classification Criteria 13 December 2019. Collection method: clinical testing. Allele origin: germline.